The following is an entry in ClinVar:

ClinVar aggregate classification (germline): Uncertain significance (1 of 4 stars; one submission).

Conditions:
KBG syndrome (KBGS). Also called: ANKRD11-Related KBG Syndrome. Identifiers: Orphanet 2332, MedGen C0220687, MONDO:0007846, OMIM 148050.

gnomAD v4.1: 3 of 1,614,038 alleles (0.00019%); highest among the groups gnomAD compares: Non-Finnish European, 0.00025%; no homozygotes.

Submission:

Labcorp Genetics (formerly Invitae), Labcorp
Classification: Uncertain significance for KBG syndrome. Last evaluated: 2025-09-14. Review status: criteria provided, single submitter. Criteria: Invitae Variant Classification Sherloc (09022015). Collection method: clinical testing. Allele origin: germline.
Comment: This sequence change replaces aspartic acid, which is acidic and polar, with asparagine, which is neutral and polar, at codon 1362 of the ANKRD11 protein (p.Asp1362Asn). This variant is present in population databases (rs748428674, gnomAD 0.0009%). This variant has not been reported in the literature in individuals affected with ANKRD11-related conditions. Invitae Evidence Modeling of protein sequence and biophysical properties (such as structural, functional, and spatial information, amino acid conservation, physicochemical variation, residue mobility, and thermodynamic stability) indicates that this missense variant is not expected to disrupt ANKRD11 protein function with a negative predictive value of 95%. In summary, the available evidence is currently insufficient to determine the role of this variant in disease. Therefore, it has been classified as a Variant of Uncertain Significance.

NM_013275.6(ANKRD11):c.4084G>A (p.Asp1362Asn)

Gene: ANKRD11 (ankyrin repeat domain 11; minus strand). Cytogenetic location: 16q24.3.
Variant type: single nucleotide variant.
Coding change: c.4084G>A on transcript NM_013275.6 (MANE Select); coding-DNA position 4084, G replaced by A.
Protein change: p.Asp1362Asn; replaces aspartic acid 1362 with asparagine.
Molecular consequence: missense variant.
Genome position (GRCh38, 1-based): chr16:89,282,458, C>T on the plus strand (G>A on the coding strand, the complement: ANKRD11 is on the minus strand). VCF-style: chr16-89282458-C-T. GRCh37 (hg19) VCF-style: chr16-89348866-C-T.
Other names: c.4084G>A, p.Asp1362Asn (NM_001256182.2, NM_001256183.2); short protein forms D1362N.
Identifiers: ClinVar variation 4762751 (VCV004762751.1).